The following is an entry in ClinVar:

ClinVar aggregate classification (germline): Benign. Review status: criteria provided, multiple submitters, no conflicts (2 of 4 stars). 10 submissions from 9 submitters: Benign (10). Last evaluated 2026-02-01.

Conditions:
Melnick-Fraser syndrome (BOR). Also called: Branchio-oto-renal syndrome; Branchiootorenal Syndrome (BORS); Branchiootorenal syndrome. Identifiers: Orphanet 107, MedGen C0265234, MONDO:0007029.
Branchiootic syndrome 1 (BOS1). Also called: BO SYNDROME 1; BRANCHIOOTIC DYSPLASIA. Identifiers: MedGen C1865143, MONDO:0011258, OMIM 602588.
Otofaciocervical syndrome 1 (OTFCS). Identifiers: MedGen C3714941, MONDO:0024532, OMIM 166780.

Allele frequency attached by ClinVar (database versions not stated): gnomAD 0.05405 and 0.05809; 1000 Genomes Project 0.06110; ESP Exome Variant Server 0.06189; TOPMed 0.06224; 1000 Genomes Project 30x 0.06402.
gnomAD v4.1: 16,168 of 1,613,594 alleles (1%); highest among the groups gnomAD compares: African/African-American, 18%; 1,286 homozygotes.

Submissions (10):

Labcorp Genetics (formerly Invitae), Labcorp
Classification: Benign for Melnick-Fraser syndrome. Last evaluated: 2026-02-01. Review status: criteria provided, single submitter. Criteria: Invitae Variant Classification Sherloc (09022015). Collection method: clinical testing. Allele origin: germline.

Blueprint Genetics
Classification: Benign. Last evaluated: 2024-11-27. Review status: criteria provided, single submitter. Criteria: ACMG Guidelines, 2015. Collection method: clinical testing. Allele origin: germline.

Mayo Clinic Laboratories, Mayo Clinic
Classification: Benign. Last evaluated: 2023-03-26. Review status: criteria provided, single submitter. Criteria: ACMG Guidelines, 2015. Collection method: clinical testing. Allele origin: germline. Observed: 9 variant alleles.

Athena Diagnostics
Classification: Benign. Last evaluated: 2018-05-24. Review status: criteria provided, single submitter. Criteria: Athena Diagnostics Criteria. Collection method: clinical testing. Allele origin: germline.

Illumina Laboratory Services, Illumina
Classification: Benign for Branchiootic syndrome. Last evaluated: 2018-01-13. Review status: criteria provided, single submitter. Criteria: ICSL Variant Classification Criteria 13 December 2019. Collection method: clinical testing. Allele origin: germline.
Comment: This variant was observed in the ICSL laboratory as part of a predisposition screen in an ostensibly healthy population. It had not been previously curated by ICSL or reported in the Human Gene Mutation Database (HGMD: prior to June 1st, 2018), and was therefore a candidate for classification through an automated scoring system. Utilizing variant allele frequency, disease prevalence and penetrance estimates, and inheritance mode, an automated score was calculated to assess if this variant is too frequent to cause the disease. Based on the score and internal cut-off values, a variant classified as benign is not then subjected to further curation. The score for this variant resulted in a classification of benign for this disease.

Illumina Laboratory Services, Illumina
Classification: Benign for Otofaciocervical syndrome 1. Last evaluated: 2018-01-13. Review status: criteria provided, single submitter. Criteria: ICSL Variant Classification Criteria 13 December 2019. Collection method: clinical testing. Allele origin: germline.
Comment: the same text as in the submission from Illumina Laboratory Services, Illumina above.

GeneDx
Classification: Benign. Last evaluated: 2015-03-03. Review status: criteria provided, single submitter. Criteria: GeneDx Variant Classification Process June 2021. Collection method: clinical testing. Allele origin: germline. Affected: yes.

Laboratory for Molecular Medicine, Mass General Brigham Personalized Medicine
Classification: Benign. Last evaluated: 2010-10-28. Review status: criteria provided, single submitter. Criteria: LMM Criteria. Collection method: clinical testing. Allele origin: germline. Observed: 63 variant alleles.
Comment: The Pro20Ala variant is a common benign variant present in roughly ~25% of Afric an and African American populations and in 100% of all other populations screene d (dbSNP - rs1445404).

Breakthrough Genomics
Classification: Benign. Review status: criteria provided, single submitter. Criteria: ACMG Guidelines, 2015. Collection method: not provided. Allele origin: germline. Inheritance: Autosomal dominant inheritance. Affected: yes.

PreventionGenetics, part of Exact Sciences
Classification: Benign. Review status: criteria provided, single submitter. Criteria: ACMG Guidelines, 2015. Collection method: clinical testing. Allele origin: germline.

NM_000503.6(EYA1):c.58C>G (p.Pro20Ala)

Gene: EYA1 (EYA transcriptional coactivator and phosphatase 1; minus strand). Cytogenetic location: 8q13.3.
Variant type: single nucleotide variant.
Coding change: c.58C>G on transcript NM_000503.6 (MANE Select); coding-DNA position 58, C replaced by G.
Protein change: p.Pro20Ala; replaces proline 20 with alanine.
Molecular consequence: missense variant. On other transcripts: 5 prime UTR variant (1).
Genome position (GRCh38, 1-based): chr8:71,354,848, G>C on the plus strand (C>G on the coding strand, the complement: EYA1 is on the minus strand). VCF-style: chr8-71354848-G-C. GRCh37 (hg19) VCF-style: chr8-72267083-G-C.
Other names: c.58C>G, p.Pro20Ala (NM_001288574.2, NM_001370334.1, NM_001370335.1 and 1 more transcripts); c.-227C>G (NM_001288575.2); c.145C>G, p.Pro49Ala (NM_001370333.1, NM_001370336.1, NM_172059.5); short protein forms P20A, P49A.
Identifiers: ClinVar variation 48108 (VCV000048108.21), dbSNP rs1445404, ClinGen allele CA142606.